The following is an entry in ClinVar:

NM_006390.4(IPO8):c.2775GGA[2] (p.Glu928del)

Gene: IPO8 (importin 8; minus strand). Cytogenetic location: 12p11.21.
Variant type: Microsatellite.
Coding change: c.2775GGA[2] on transcript NM_006390.4 (MANE Select); two copies in a row of the 3-base unit GGA starting at c.2775; the reference has three copies in a row; one copy, 3 bases deleted.
Protein change: p.Glu928del; deletes glutamic acid 928.
Genome position (GRCh38, 1-based): chr12:30,634,199-30,634,201, TCC deleted on the plus strand (GGA on the coding strand, the reverse complement: IPO8 is on the minus strand); deleting any 3 consecutive bases within chr12:30,634,199-30,634,209 gives the same sequence; the position shown is the placement nearest the transcript's 3' end. VCF-style (leftmost placement, unchanged base first): chr12-30634198-TTCC-T. GRCh37 (hg19) VCF-style: chr12-30787132-TTCC-T.
Other names: c.2160GGA[2], p.Glu723del (NM_001190995.2); short protein forms E723del, E928del.
Identifiers: ClinVar variation 4087887 (VCV004087887.1).

ClinVar aggregate classification (germline): Uncertain significance (1 of 4 stars; one submission).

Submission:

GeneDx
Classification: Uncertain significance. Last evaluated: 2025-03-26. Review status: criteria provided, single submitter. Criteria: GeneDx Variant Classification Process June 2021. Collection method: clinical testing. Allele origin: germline. Affected: yes.
Comment: In silico analysis supports a deleterious effect on protein structure/function; Has not been previously published as pathogenic or benign to our knowledge